The following is an entry in ClinVar:

NM_001792.5(CDH2):c.148C>T (p.His50Tyr)

Gene: CDH2 (cadherin 2; minus strand). Cytogenetic location: 18q12.1.
Variant type: single nucleotide variant.
Coding change: c.148C>T on transcript NM_001792.5 (MANE Select); coding-DNA position 148, C replaced by T.
Protein change: p.His50Tyr; replaces histidine 50 with tyrosine.
Molecular consequence: missense variant.
Genome position (GRCh38, 1-based): chr18:28,147,697, G>A on the plus strand (C>T on the coding strand, the complement: CDH2 is on the minus strand). VCF-style: chr18-28147697-G-A. GRCh37 (hg19) VCF-style: chr18-25727661-G-A.
Other names: short protein forms H50Y.
Identifiers: ClinVar variation 1467048 (VCV001467048.6), dbSNP rs150672295, ClinGen allele CA8923823.

ClinVar aggregate classification (germline): Uncertain significance (1 of 4 stars; one submission).

Allele frequency attached by ClinVar (database versions not stated): gnomAD exomes 0.00003 and 0.00007; ExAC 0.00010; gnomAD 0.00015 and 0.00016; TOPMed 0.00023; ESP Exome Variant Server 0.00031; 1000 Genomes Project 30x 0.00062; 1000 Genomes Project 0.00080.
gnomAD v4.1: 63 of 1,608,192 alleles (0.0039%); highest among the groups gnomAD compares: African/African-American, 0.062%; no homozygotes.

Submission:

Labcorp Genetics (formerly Invitae), Labcorp
Classification: Uncertain significance. Last evaluated: 2025-12-13. Review status: criteria provided, single submitter. Criteria: Invitae Variant Classification Sherloc (09022015). Collection method: clinical testing. Allele origin: germline.
Comment: This sequence change replaces histidine, which is basic and polar, with tyrosine, which is neutral and polar, at codon 50 of the CDH2 protein (p.His50Tyr). This variant is present in population databases (rs150672295, gnomAD 0.06%), and has an allele count higher than expected for a pathogenic variant. This variant has not been reported in the literature in individuals affected with CDH2-related conditions. ClinVar contains an entry for this variant (Variation ID: 1467048). An algorithm developed to predict the effect of missense changes on protein structure and function (PolyPhen-2) suggests that this variant is likely to be tolerated. In summary, the available evidence is currently insufficient to determine the role of this variant in disease. Therefore, it has been classified as a Variant of Uncertain Significance.